The following is an entry in ClinVar:

ClinVar aggregate classification (germline): Likely pathogenic (1 of 4 stars; one submission).

Conditions:
Breast-ovarian cancer, familial, susceptibility to, 4. Identifiers: Orphanet 145, MedGen C3280345, MONDO:0013669, OMIM 614291.

Submission:

Labcorp Genetics (formerly Invitae), Labcorp
Classification: Likely pathogenic for Breast-ovarian cancer, familial, susceptibility to, 4. Last evaluated: 2021-09-23. Review status: criteria provided, single submitter. Criteria: Invitae Variant Classification Sherloc (09022015). Collection method: clinical testing. Allele origin: germline.
Comment: This variant has not been reported in the literature in individuals affected with RAD51D-related conditions. This variant is not present in population databases (ExAC no frequency). This sequence change affects a donor splice site in intron 5 of the RAD51D gene. It is expected to disrupt RNA splicing. Variants that disrupt the donor or acceptor splice site typically lead to a loss of protein function (PMID: 16199547), and loss-of-function variants in RAD51D are known to be pathogenic (PMID: 21822267). Algorithms developed to predict the effect of sequence changes on RNA splicing suggest that this variant may disrupt the consensus splice site. In summary, the currently available evidence indicates that the variant is pathogenic, but additional data are needed to prove that conclusively. Therefore, this variant has been classified as Likely Pathogenic.

Literature cited by the submitters: PubMed 16199547; PubMed 21822267.

NM_002878.4(RAD51D):c.480+2T>C

Genes: RAD51D (RAD51 paralog D; minus strand), RAD51L3-RFFL (RAD51L3-RFFL readthrough; minus strand). Cytogenetic location: 17q12.
Variant type: single nucleotide variant.
Coding change: c.480+2T>C on transcript NM_002878.4 (MANE Select); the canonical splice donor site of the intron after coding-DNA position 480, T replaced by C.
Molecular consequence: splice donor variant. On other transcripts: intron variant (1).
Genome position (GRCh38, 1-based): chr17:35,106,986, A>G on the plus strand (T>C on the coding strand, the complement: RAD51D is on the minus strand). VCF-style: chr17-35106986-A-G. GRCh37 (hg19) VCF-style: chr17-33434005-A-G.
Other names: c.145-505T>C (NM_133629.3); c.540+2T>C (NM_001142571.2).
Identifiers: ClinVar variation 1495850 (VCV001495850.6), dbSNP rs2142432010, ClinGen allele CA399089133.